The following is an entry in ClinVar:

NM_177438.3(DICER1):c.200G>A (p.Gly67Asp)

Gene: DICER1 (dicer 1, ribonuclease III; minus strand). Cytogenetic location: 14q32.13.
Variant type: single nucleotide variant.
Coding change: c.200G>A on transcript NM_177438.3 (MANE Select); coding-DNA position 200, G replaced by A.
Protein change: p.Gly67Asp; replaces glycine 67 with aspartic acid.
Molecular consequence: missense variant. On other transcripts: 5 prime UTR variant (9), non-coding transcript variant (6).
Genome position (GRCh38, 1-based): chr14:95,132,622, C>T on the plus strand (G>A on the coding strand, the complement: DICER1 is on the minus strand). VCF-style: chr14-95132622-C-T. GRCh37 (hg19) VCF-style: chr14-95598959-C-T.
Other names: c.200G>A, p.Gly67Asp (NM_001195573.1, NM_001271282.3, NM_001291628.2 and 14 more transcripts); c.-75G>A (NM_001395686.1, NM_001395687.1, NM_001395688.1 and 4 more transcripts); c.-259G>A (NM_001395691.1); c.-1369G>A (NM_001395697.1); short protein forms G67D.
Identifiers: ClinVar variation 5035310 (VCV005035310.1).
Genomic context (GRCh38, chr14:95,132,622, plus strand): 5'-CCCCTGATCTGATAGGACAGCTCTTTAGTGAGTAGTACTGCAATAAATGTCTTCCCTGAG[C>T]CAGTGTTTAAACAGACGATGGTATTATGATCCAGAGCTGCTTCAAGCAGTTCAACCTAGA-3'
Protein context (NP_803187.1, residues 57-77): DHNTIVCLNT[Gly67Asp]SGKTFIAVLL

ClinVar aggregate classification (germline): Uncertain significance (1 of 4 stars; one submission).

Conditions:
Hereditary cancer-predisposing syndrome. Also called: Hereditary Cancer Syndrome; Neoplastic Syndromes, Hereditary; Tumor predisposition; Hereditary neoplastic syndrome. Identifiers: Orphanet 140162, MedGen C0027672, MeSH D009386, MONDO:0015356.

Submission:

Ambry Genetics
Classification: Uncertain significance for Hereditary cancer-predisposing syndrome. Last evaluated: 2026-08-10. Review status: criteria provided, single submitter. Criteria: Ambry Variant Classification Scheme 2023. Collection method: clinical testing. Allele origin: germline.
Comment: The p.G67D variant (also known as c.200G>A), located in coding exon 2 of the DICER1 gene, results from a G to A substitution at nucleotide position 200. The glycine at codon 67 is replaced by aspartic acid, an amino acid with similar properties. This amino acid position is conserved. In addition, this alteration is predicted to be deleterious by in silico analysis. Based on the available evidence, the clinical significance of this variant remains unclear.